The following is an entry in ClinVar:

ClinVar aggregate classification (germline): Uncertain significance. Review status: criteria provided, multiple submitters, no conflicts (2 of 4 stars). 2 submissions from 2 submitters: Uncertain significance (2). Last evaluated 2023-03-07.

Conditions:
Epidermodysplasia verruciformis. Identifiers: Orphanet 302, MedGen C0014522, MONDO:0009176.
Inborn genetic diseases. Identifiers: MedGen C0950123, MeSH D030342.

Allele frequency attached by ClinVar (database versions not stated): gnomAD exomes 0.00001 and 0.00003; TOPMed 0.00001; ExAC 0.00003.
gnomAD v4.1: 15 of 1,613,908 alleles (0.00093%); highest among the groups gnomAD compares: Admixed American, 0.015%; no homozygotes.

Submissions (2):

Ambry Genetics
Classification: Uncertain significance for Inborn genetic diseases. Last evaluated: 2023-03-07. Review status: criteria provided, single submitter. Criteria: Ambry Variant Classification Scheme 2023. Collection method: clinical testing. Allele origin: germline.

Labcorp Genetics (formerly Invitae), Labcorp
Classification: Uncertain significance for Epidermodysplasia verruciformis. Last evaluated: 2019-12-26. Review status: criteria provided, single submitter. Criteria: Invitae Variant Classification Sherloc (09022015). Collection method: clinical testing. Allele origin: germline.
Comment: In summary, the available evidence is currently insufficient to determine the role of this variant in disease. Therefore, it has been classified as a Variant of Uncertain Significance. Algorithms developed to predict the effect of sequence changes on RNA splicing suggest that this variant may create or strengthen a splice site, but this prediction has not been confirmed by published transcriptional studies. Algorithms developed to predict the effect of missense changes on protein structure and function (SIFT, PolyPhen-2, Align-GVGD) all suggest that this variant is likely to be disruptive, but these predictions have not been confirmed by published functional studies and their clinical significance is uncertain. This variant has not been reported in the literature in individuals with TMC8-related conditions. This variant is present in population databases (rs761173794, ExAC 0.03%). This sequence change replaces glycine with serine at codon 563 of the TMC8 protein (p.Gly563Ser). The glycine residue is highly conserved and there is a small physicochemical difference between glycine and serine.

NM_152468.5(TMC8):c.1687G>A (p.Gly563Ser)

Gene: TMC8 (transmembrane channel like 8; plus strand). Cytogenetic location: 17q25.3.
Variant type: single nucleotide variant.
Coding change: c.1687G>A on transcript NM_152468.5 (MANE Select); coding-DNA position 1687, G replaced by A.
Protein change: p.Gly563Ser; replaces glycine 563 with serine.
Molecular consequence: missense variant.
Genome position (GRCh38, 1-based): chr17:78,138,596, G>A. VCF-style: chr17-78138596-G-A. GRCh37 (hg19) VCF-style: chr17-76134677-G-A.
Other names: short protein forms G563S.
Identifiers: ClinVar variation 857681 (VCV000857681.13), dbSNP rs761173794, ClinGen allele CA8796962.